The following is an entry in ClinVar:

ClinVar aggregate classification (germline): Benign. Review status: criteria provided, multiple submitters, no conflicts (2 of 4 stars). 2 submissions from 2 submitters: Benign (2). Last evaluated 2019-04-20.

Conditions:
3 beta-Hydroxysteroid dehydrogenase deficiency. Also called: Congenital adrenal hyperplasia due to 3-beta-hydroxysteroid dehydrogenase deficiency; 3b-hydroxysteroid dehydrogenase deficiency; 3-BETA-HSD DEFICIENCY; ADRENAL HYPERPLASIA II; ADRENAL HYPERPLASIA, CONGENITAL, DUE TO 3-BETA-HYDROXYSTEROID DEHYDROGENASE 2 DEFICIENCY. Identifiers: Orphanet 90791, MedGen C0342471, MeSH C538236, MONDO:0008727, OMIM 201810. Disease mechanism: loss of function.

Allele frequency attached by ClinVar (database versions not stated): gnomAD exomes 0.00626; 1000 Genomes Project 0.02037; gnomAD 0.02074 and 0.02229; 1000 Genomes Project 30x 0.02124; TOPMed 0.02340.
gnomAD v4.1: 6,282 of 642,694 alleles (0.98%); highest among the groups gnomAD compares: African/African-American, 6%; 110 homozygotes.

Submissions (2):

GeneDx
Classification: Benign. Last evaluated: 2019-04-20. Review status: criteria provided, single submitter. Criteria: GeneDx Variant Classification Process June 2021. Collection method: clinical testing. Allele origin: germline. Affected: yes.

Illumina Laboratory Services, Illumina
Classification: Benign for 3 beta-Hydroxysteroid dehydrogenase deficiency. Last evaluated: 2018-01-12. Review status: criteria provided, single submitter. Criteria: ICSL Variant Classification Criteria 13 December 2019. Collection method: clinical testing. Allele origin: germline.
Comment: This variant was observed in the ICSL laboratory as part of a predisposition screen in an ostensibly healthy population. It had not been previously curated by ICSL or reported in the Human Gene Mutation Database (HGMD: prior to June 1st, 2018), and was therefore a candidate for classification through an automated scoring system. Utilizing variant allele frequency, disease prevalence and penetrance estimates, and inheritance mode, an automated score was calculated to assess if this variant is too frequent to cause the disease. Based on the score and internal cut-off values, a variant classified as benign is not then subjected to further curation. The score for this variant resulted in a classification of benign for this disease.

NM_000198.4(HSD3B2):c.*202A>G

Gene: HSD3B2 (hydroxy-delta-5-steroid dehydrogenase, 3 beta- and steroid delta-isomerase 2; plus strand). Cytogenetic location: 1p12.
Variant type: single nucleotide variant.
Coding change: c.*202A>G on transcript NM_000198.4 (MANE Select); 202 bases downstream of the stop codon, A replaced by G.
Molecular consequence: 3 prime UTR variant.
Genome position (GRCh38, 1-based): chr1:119,422,822, A>G. VCF-style: chr1-119422822-A-G. GRCh37 (hg19) VCF-style: chr1-119965445-A-G.
Other names: c.*202A>G (NM_001166120.2).
Identifiers: ClinVar variation 292273 (VCV000292273.6), dbSNP rs9282704, ClinGen allele CA10607929.
Genomic context (GRCh38, chr1:119,422,822, plus strand): 5'-TTCTTCATGTCATCAAAATCTGCACAGTCACTGGCCCAACCAGAACTTTCTGTCCTAATC[A>G]TACACCAGAAGACAAACAATATGATTTGCTGTTACCAAATCTCAGTGGCTGATTCTGAAC-3'